The following is an entry in ClinVar:

ClinVar aggregate classification (germline): Pathogenic. Review status: criteria provided, multiple submitters, no conflicts (2 of 4 stars). 9 submissions from 9 submitters: Pathogenic (8). 1 of the submissions does not count toward it. Last evaluated 2026-02-20.

Conditions:
Neurodevelopmental disorder with hypotonia, seizures, and absent language (NDHSAL). Identifiers: MedGen C4310643, MONDO:0014995, OMIM 617268.
Neurodevelopmental disorder with progressive microcephaly, spasticity, and brain anomalies. Identifiers: Orphanet 521426, MedGen C4479631, MONDO:0060502, OMIM 617527.
HECW2-related disorder. Also called: HECW2-related condition.
Inborn genetic diseases. Identifiers: MedGen C0950123, MeSH D030342.

Submissions (9):

Ambry Genetics
Classification: Pathogenic for Inborn genetic diseases. Last evaluated: 2026-02-20. Review status: criteria provided, single submitter. Criteria: Ambry Variant Classification Scheme 2023. Collection method: clinical testing. Allele origin: germline.
Comment: The c.3988C>T (p.R1330W) alteration is located in exon 23 (coding exon 22) of the HECW2 gene. This alteration results from a C to T substitution at nucleotide position 3988, causing the arginine (R) at amino acid position 1330 to be replaced by a tryptophan (W). This variant was not reported in population-based cohorts in the Genome Aggregation Database (gnomAD). This variant was determined to be de novo in at least one individual with features consistent with HECW2-related neurodevelopmental disorder (Halvardson, 2016; Berko, 2017; DECIPHER). Other variant(s) at the same codon, c.3989G>A (p.R1330Q), have been identified in individual(s) with features consistent with HECW2-related neurodevelopmental disorder (Ambry internal data). This amino acid position is highly conserved in available vertebrate species. This missense variant is located in a region that has a low rate of benign missense variation (Lek, 2016; Firth, 2009). The p.S1505T amino acid is located in the C-terminal HECT domain, which is present in all HECT family of E3 ubituitin-protein ligases that catalyze the attachment of ubiquitin to substrate proteins. This domain mediates protein interaction to form a thioester complex with ubiquiton and is the catalyzing site of the protein (reviewed in Scheffner, 2014). This alteration is predicted to be deleterious by in silico analysis. Based on the available evidence, this alteration is classified as pathogenic.

Medgenome Labs Ltd
Classification: Pathogenic for Neurodevelopmental disorder with hypotonia, seizures, and absent language. Last evaluated: 2025-04-07. Review status: criteria provided, single submitter. Criteria: ACMG Guidelines, 2015. Collection method: clinical testing. Allele origin: de novo. Affected: yes.

Victorian Clinical Genetics Services, Murdoch Childrens Research Institute
Classification: Pathogenic for Neurodevelopmental disorder with hypotonia, seizures, and absent language. Last evaluated: 2024-10-09. Review status: criteria provided, single submitter. Criteria: ACMG Guidelines, 2015. Collection method: clinical testing. Allele origin: germline. Inheritance: Autosomal dominant inheritance. Affected: yes.
Comment: Based on the classification scheme VCGS_Germline_v1.3.4, this variant is classified as Pathogenic. Following criteria are met: 0105 - The mechanism of disease for this gene is not clearly established. However, gain of function has been suggested as a mechanism of disease (PMID: 34321324). (I) 0107 - This gene is associated with autosomal dominant disease. Autosomal recessive inheritance has been reported for putative loss of function variants, however, this association is not well established (PanelApp Australia). (I) 0115 - Variants in this gene are known to have variable expressivity (PMID: 34321324). (I) 0200 - Variant is predicted to result in a missense amino acid change from arginine to tryptophan. (I) 0251 - This variant is heterozygous. (I) 0301 - Variant is absent from gnomAD (both v2 and v3). (SP) 0501 - Missense variant consistently predicted to be damaging by multiple in silico tools or highly conserved with a major amino acid change. (SP) 0602 - Variant is located in a hotspot region or cluster of pathogenic variants in the HECT domain where majority of reported pathogenic variants are located (DECIPHER, PMID: 34047014). (SP) 0801 - This variant has strong previous evidence of pathogenicity in unrelated individuals. This variant has been reported as de novo in more than five individuals with HECW2-related features (ClinVar, DECIPHER, PMIDs: 27389779, 33205896, 29395664, 34321324). (SP) Legend: (SP) - Supporting pathogenic, (I) - Information, (SB) - Supporting benign

3billion
Classification: Pathogenic for Neurodevelopmental disorder with hypotonia, seizures, and absent language. Last evaluated: 2024-04-17. Review status: criteria provided, single submitter. Criteria: ACMG Guidelines, 2015. Collection method: clinical testing. Allele origin: germline. Affected: yes.
Comment: The variant is not observed in the gnomAD v4.0.0 dataset. Predicted Consequence/Location: Missense changes are a common disease-causing mechanism. In silico tool predictions suggest damaging effect of the variant on gene or gene product [3Cnet: 0.97 (>=0.6, sensitivity 0.72 and precision 0.9)]. Same nucleotide change resulting in same amino acid change has been previously reported as pathogenic/likely pathogenic with strong evidence (ClinVar ID: VCV000242318 /PMID: 27334371 /3billion dataset). The variant has been previously reported as assumed (i.e. paternity and maternity not confirmed) de novo in at least one similarly affected unrelated individual (PMID: 27389779). A different missense change at the same codon (p.Arg1330Gln) has been reported to be associated with HECW2-related disorder (ClinVar ID: VCV000522012). Therefore, this variant is classified as Pathogenic according to the recommendation of ACMG/AMP guideline.

Greenwood Genetic Center Diagnostic Laboratories, Greenwood Genetic Center
Classification: Pathogenic for Neurodevelopmental disorder with hypotonia, seizures, and absent language. Last evaluated: 2023-09-12. Review status: criteria provided, single submitter. Criteria: ACMG Guidelines, 2015. Collection method: clinical testing. Allele origin: germline. Affected: yes.
Comment: PS2, PS4, PM1, PM2, PM6, PP2

PreventionGenetics, part of Exact Sciences
Classification: Pathogenic for HECW2-related condition. Last evaluated: 2022-08-19. Review status: criteria provided, single submitter. Criteria: ACMG Guidelines, 2015. Collection method: clinical testing. Allele origin: germline.
Comment: The HECW2 c.3988C>T variant is predicted to result in the amino acid substitution p.Arg1330Trp. This variant was reported de novo in multiple unrelated affected individuals with developmental delay, absent speech, epilepsy, encephalopathy, hypotonia & macrocephaly (Halvardson et al 2016. PubMed ID: 27334371; Berko et al. 2017. PubMed ID: 27389779; McRae et al 2017. PubMed ID: 28135719; Hamdan et al. 2017. PubMed ID: 29100083; Turner et al. 2019. PubMed ID: 31785789). This variant has not been reported in a large population database, indicating this variant is rare. This variant is interpreted as pathogenic.

Clinical Genetics Laboratory, Skane University Hospital Lund
Classification: Pathogenic. Last evaluated: 2022-05-27. Review status: criteria provided, single submitter. Criteria: ACMG Guidelines, 2015. Collection method: clinical testing. Allele origin: germline. Affected: yes.

Center for Statistical Genetics, Columbia University
Classification: Pathogenic for Neurodevelopmental disorder with hypotonia, seizures, and absent language. Last evaluated: 2021-03-17. Review status: criteria provided, single submitter. Criteria: ACMG Guidelines, 2015. Collection method: clinical testing. Allele origin: de novo. Affected: yes.
Comment: Recurrent variant, identified in 7 cases with a neurodevelopmental disorder.

OMIM
Classification: Pathogenic for NEURODEVELOPMENTAL DISORDER WITH HYPOTONIA, SEIZURES, AND ABSENT LANGUAGE. Last evaluated: 2026-11-04. Review status: no assertion criteria provided. Collection method: literature only. Allele origin: germline. Not counted in ClinVar's aggregate classification.

Literature cited by the submitters: PubMed 23545411 (cited by Ambry Genetics); PubMed 27334371 (cited by 3 submitters); PubMed 27389779 (cited by 4 submitters); PubMed 29395664 (cited by Victorian Clinical Genetics Services, Murdoch Childrens Research Institute); PubMed 33205896 (cited by Victorian Clinical Genetics Services, Murdoch Childrens Research Institute); PubMed 34047014 (cited by Victorian Clinical Genetics Services, Murdoch Childrens Research Institute); PubMed 34321324 (cited by Victorian Clinical Genetics Services, Murdoch Childrens Research Institute); PubMed 35487419 (cited by OMIM).

NM_001348768.2(HECW2):c.3988C>T (p.Arg1330Trp)

Gene: HECW2 (HECT, C2 and WW domain containing E3 ubiquitin protein ligase 2; minus strand). Cytogenetic location: 2q32.3.
Variant type: single nucleotide variant.
Coding change: c.3988C>T on transcript NM_001348768.2 (MANE Select); coding-DNA position 3988, C replaced by T.
Protein change: p.Arg1330Trp; replaces arginine 1330 with tryptophan.
Molecular consequence: missense variant.
Genome position (GRCh38, 1-based): chr2:196,225,800, G>A on the plus strand (C>T on the coding strand, the complement: HECW2 is on the minus strand). VCF-style: chr2-196225800-G-A. GRCh37 (hg19) VCF-style: chr2-197090524-G-A.
Other names: c.2920C>T, p.Arg974Trp (NM_001304840.3); c.3988C>T, p.Arg1330Trp (NM_020760.4); c.3988C>T (NM_020760.3); short protein forms R1330W, R974W.
Identifiers: ClinVar variation 242318 (VCV000242318.14), dbSNP rs878854417, ClinGen allele CA10583976.
Genomic context (GRCh38, chr2:196,225,800, plus strand): 5'-GCTAATTATGCAGGCAATAAAAATATTCTTACATTCTGAGAAGAGCCTTATAAAAGGGCC[G>A]TGTGAAGAAGGCATCCAACAAATACTGGTGTATTAGTGCAAGACCAAGGATCCTACCACT-3'
Protein context (NP_001335697.1, residues 1320-1340): HQYLLDAFFT[Arg1330Trp]PFYKALLRIL